The following is an entry in ClinVar:

ClinVar aggregate classification (germline): Pathogenic (1 of 4 stars; one submission).

Submission:

Labcorp Genetics (formerly Invitae), Labcorp
Classification: Pathogenic. Last evaluated: 2019-03-11. Review status: criteria provided, single submitter. Criteria: Invitae Variant Classification Sherloc (09022015). Collection method: clinical testing. Allele origin: germline.
Comment: This variant is an out-of-frame deletion of the genomic region encompassing exon 9 of the CDH23 gene. This is expected to create a premature translational stop signal and result in an absent or disrupted protein product. This variant has not been reported in the literature in individuals with CDH23-related conditions. Loss-of-function variants in CDH23 are known to be pathogenic (PMID: 11138009, 21940737). For these reasons, this variant has been classified as Pathogenic.

NC_000010.11:g.(?_71577904)_(71578002_?)del

Gene: CDH23 (cadherin related 23; plus strand). Cytogenetic location: 10q22.1.
Variant type: Deletion.
Identifiers: ClinVar variation 832141 (VCV000832141.1).